The following is an entry in ClinVar:

ClinVar aggregate classification (germline): Uncertain significance (1 of 4 stars; one submission).

Conditions:
Malignant hyperthermia, susceptibility to, 1 (MHS1). Also called: Anesthesia related hyperthermia; Malignant hyperpyrexia; Fulminating hyperpyrexia; Pharmacogenic myopathy; RYR1-Related Malignant Hyperthermia Susceptibility; Malignant hyperthermia suceptibility 1. Identifiers: Orphanet 423, MedGen C2930980, MONDO:0007783, OMIM 145600.

Submission:

All of Us Research Program, National Institutes of Health
Classification: Uncertain significance for Malignant hyperthermia, susceptibility to, 1. Last evaluated: 2023-12-13. Review status: criteria provided, single submitter. Criteria: ACMG Guidelines, 2015. Collection method: clinical testing. Allele origin: germline. Inheritance: Autosomal dominant inheritance. Observed: 1 variant allele, 1 heterozygote.
Comment: This missense variant replaces leucine with glutamine at codon 2710 of the RYR1 protein. Computational prediction is inconclusive regarding the impact of this variant on protein structure and function (internally defined REVEL score threshold 0.5 < inconclusive < 0.7, PMID: 27666373). To our knowledge, functional studies have not been reported for this variant. This variant has not been reported in individuals affected with RYR1-related disorders in the literature. This variant has not been identified in the general population by the Genome Aggregation Database (gnomAD). The available evidence is insufficient to determine the role of this variant in disease conclusively. Therefore, this variant is classified as a Variant of Uncertain Significance.

This study involves interpretation of variants in research participants for the purpose of population health screening. Participant phenotype was not available at the time of variant classification. Additional details can be found in publication PMID: 35346344, PMCID: PMC8962531

NM_000540.3(RYR1):c.8129T>A (p.Leu2710Gln)

Gene: RYR1 (ryanodine receptor 1; plus strand). Cytogenetic location: 19q13.2.
Variant type: single nucleotide variant.
Coding change: c.8129T>A on transcript NM_000540.3 (MANE Select); coding-DNA position 8129, T replaced by A.
Protein change: p.Leu2710Gln; replaces leucine 2710 with glutamine.
Molecular consequence: missense variant.
Genome position (GRCh38, 1-based): chr19:38,504,809, T>A. VCF-style: chr19-38504809-T-A. GRCh37 (hg19) VCF-style: chr19-38995449-T-A.
Other names: c.8129T>A, p.Leu2710Gln (NM_001042723.2); short protein forms L2710Q.
Identifiers: ClinVar variation 3074745 (VCV003074745.1), dbSNP rs2514354557, ClinGen allele CA405676692.
Genomic context (GRCh38, chr19:38,504,809, plus strand): 5'-AATACGACCCGGAGCTGTACCGCATGGCCATGCCTTGTCTGTGCGCCATTGCCGGGGCTC[T>A]GCCCCCCGACTATGTGGATGCCTCATACTCATCTAAGGCAGAGAAAAAGGCCACAGTGGA-3'
Protein context (NP_000531.2, residues 2700-2720): MPCLCAIAGA[Leu2710Gln]PPDYVDASYS